The following is an entry in ClinVar:

ClinVar aggregate classification (germline): Pathogenic. Review status: criteria provided, multiple submitters, no conflicts (2 of 4 stars). 2 submissions from 2 submitters: Pathogenic (2). Last evaluated 2023-04-28.

Conditions:
Familial adenomatous polyposis 1 (FAP1). Also called: POLYPOSIS, ADENOMATOUS INTESTINAL; FAMILIAL ADENOMATOUS POLYPOSIS 1, ATTENUATED. Identifiers: MedGen C2713442, MONDO:0021056, OMIM 175100. Disease mechanism: loss of function.

Submissions (2):

Myriad Genetics, Inc.
Classification: Pathogenic for Familial adenomatous polyposis 1. Last evaluated: 2023-04-28. Review status: criteria provided, single submitter. Criteria: Myriad Autosomal Dominant, Autosomal Recessive and X-Linked Classification Criteria (2023). Collection method: clinical testing. Allele origin: unknown.
Comment: This variant is considered pathogenic. This variant creates a frameshift predicted to result in premature protein truncation.

Labcorp Genetics (formerly Invitae), Labcorp
Classification: Pathogenic for Familial adenomatous polyposis 1. Last evaluated: 2023-02-18. Review status: criteria provided, single submitter. Criteria: Invitae Variant Classification Sherloc (09022015). Collection method: clinical testing. Allele origin: germline.
Comment: This sequence change creates a premature translational stop signal (p.Gln394Alafs*2) in the APC gene. It is expected to result in an absent or disrupted protein product. Loss-of-function variants in APC are known to be pathogenic (PMID: 17963004, 20685668). This variant is not present in population databases (gnomAD no frequency). This premature translational stop signal has been observed in individual(s) with familial adenomatous polyposis (PMID: 20685668). For these reasons, this variant has been classified as Pathogenic.

Literature cited by the submitters: PubMed 17963004 (cited by Labcorp Genetics (formerly Invitae), Labcorp); PubMed 20685668 (cited by Labcorp Genetics (formerly Invitae), Labcorp).

NM_000038.6(APC):c.1180_1181del (p.Gln394fs)

Gene: APC (APC regulator of Wnt signaling pathway; plus strand). Cytogenetic location: 5q22.2.
Variant type: Microsatellite.
Coding change: c.1180_1181del on transcript NM_000038.6 (MANE Select); coding-DNA positions 1180 to 1181, 2 bases deleted (CA; older notation c.1180_1181delCA).
Protein change: p.Gln394fs; shifts the reading frame from glutamine 394.
Molecular consequence: frameshift variant. On other transcripts: intron variant (4).
Genome position (GRCh38, 1-based): chr5:112,819,212-112,819,213, CA deleted; deleting any 2 consecutive bases within chr5:112,819,210-112,819,213 gives the same sequence; the c. name uses the placement nearest the transcript's 3' end. VCF-style (leftmost placement, unchanged base first): chr5-112819209-TCA-T. GRCh37 (hg19) VCF-style: chr5-112154906-TCA-T.
Other names: c.1180_1181del, p.Gln394fs (NM_001127510.3, NM_001354895.2, NM_001354896.2); c.1126_1127del, p.Gln376fs (NM_001127511.3); c.1210_1211del, p.Gln404fs (NM_001354897.2); c.1105_1106del, p.Gln369fs (NM_001354898.2); c.1096_1097del, p.Gln366fs (NM_001354899.2); c.1003_1004del, p.Gln335fs (NM_001354900.2, NM_001354901.2); c.331_332del, p.Gln111fs (NM_001354906.2); c.1208_1209CA[1], p.Gln404Alafs (NM_001407446.1); and 9 more; short protein forms Q335fs, Q404fs, Q366fs, Q369fs, Q376fs, Q111fs, Q394fs.
Identifiers: ClinVar variation 2203679 (VCV002203679.6), dbSNP rs2533050809, ClinGen allele CA658760537.